The following is an entry in ClinVar:

NM_032382.5(COG8):c.1583-125C>A

Gene: COG8 (component of oligomeric golgi complex 8; minus strand). Cytogenetic location: 16q22.1.
Variant type: single nucleotide variant.
Coding change: c.1583-125C>A on transcript NM_032382.5 (MANE Select); 125 bases into the intron before coding-DNA position 1583, C replaced by A.
Molecular consequence: intron variant.
Genome position (GRCh38, 1-based): chr16:69,331,220, G>T on the plus strand (C>A on the coding strand, the complement: COG8 is on the minus strand). VCF-style: chr16-69331220-G-T. GRCh37 (hg19) VCF-style: chr16-69365123-G-T.
Other names: c.1414-2041C>A (NM_001379266.1); c.1582+1494C>A (NM_001379265.1); c.1583-125C>A (NM_001379262.1, NM_001379264.1); c.1583-86C>A (NM_001379263.1); c.1723+15C>A (NM_001379261.1).
Identifiers: ClinVar variation 676109 (VCV000676109.2), dbSNP rs9928658, ClinGen allele CA14301079.

ClinVar aggregate classification (germline): Benign. Review status: criteria provided, multiple submitters, no conflicts (2 of 4 stars). 2 submissions from 2 submitters: Benign (2). Last evaluated 2018-06-18.

Allele frequency attached by ClinVar (database versions not stated): TOPMed 0.22187; 1000 Genomes Project 30x 0.18816; 1000 Genomes Project 0.18570.
gnomAD v4.1: 229,479 of 966,568 alleles (24%); highest among the groups gnomAD compares: South Asian, 28%; 29,551 homozygotes.

Submissions (2):

GeneDx
Classification: Benign. Last evaluated: 2018-06-18. Review status: criteria provided, single submitter. Criteria: GeneDx Variant Classification (06012015). Collection method: clinical testing. Allele origin: germline. Affected: yes.
Comment: This variant is considered likely benign or benign based on one or more of the following criteria: it is a conservative change, it occurs at a poorly conserved position in the protein, it is predicted to be benign by multiple in silico algorithms, and/or has population frequency not consistent with disease.

Breakthrough Genomics
Classification: Benign. Review status: criteria provided, single submitter. Criteria: ACMG Guidelines, 2015. Collection method: not provided. Allele origin: germline. Inheritance: Unknown mechanism. Affected: yes.